The following is an entry in ClinVar:

ClinVar aggregate classification (germline): Likely benign (0 of 4 stars; one submission).

Conditions:
PALLD-related disorder. Also called: PALLD-related condition.

Submission:

PreventionGenetics, part of Exact Sciences
Classification: Likely benign for PALLD-related condition. Last evaluated: 2022-06-03. Review status: no assertion criteria provided. Collection method: clinical testing. Allele origin: germline.
Comment: This variant is classified as likely benign based on ACMG/AMP sequence variant interpretation guidelines (Richards et al. 2015 PMID: 25741868, with internal and published modifications).

NM_001166108.2(PALLD):c.1622-7T>G

Gene: PALLD (palladin, cytoskeletal associated protein; plus strand). Cytogenetic location: 4q32.3.
Variant type: single nucleotide variant.
Coding change: c.1622-7T>G on transcript NM_001166108.2 (MANE Select); 7 bases into the intron before coding-DNA position 1622, T replaced by G.
Molecular consequence: intron variant.
Genome position (GRCh38, 1-based): chr4:168,711,574, T>G. VCF-style: chr4-168711574-T-G. GRCh37 (hg19) VCF-style: chr4-169632725-T-G.
Other names: c.1622-7T>G (NM_016081.4); c.476-7T>G (NM_001166109.2).
Identifiers: ClinVar variation 3048717 (VCV003048717.2), dbSNP rs2531854054, ClinGen allele CA2740091586.